The following is an entry in ClinVar:

NM_001242896.3(DEPDC5):c.4204-6C>T

Gene: DEPDC5 (DEP domain containing 5, GATOR1 subcomplex subunit; plus strand). Cytogenetic location: 22q12.3.
Variant type: single nucleotide variant.
Coding change: c.4204-6C>T on transcript NM_001242896.3 (MANE Select); 6 bases into the intron before coding-DNA position 4204, C replaced by T.
Molecular consequence: intron variant.
Genome position (GRCh38, 1-based): chr22:31,897,476, C>T. VCF-style: chr22-31897476-C-T. GRCh37 (hg19) VCF-style: chr22-32293462-C-T.
Other names: c.4204-6C>T (NM_001364318.2); c.4177-6C>T (NM_001136029.4); c.4111-6C>T (NM_014662.6, NM_001369903.1); c.4138-6C>T (NM_001363852.2, NM_001364320.2); c.3970-6C>T (NM_001363854.2, NM_001364319.2); c.3904-6C>T (NM_001242897.2); c.4120-6C>T (NM_001369902.1, NM_001369901.1).
Identifiers: ClinVar variation 1593406 (VCV001593406.32), dbSNP rs746382504, ClinGen allele CA10197198.

ClinVar aggregate classification (germline): Likely benign. Review status: criteria provided, multiple submitters, no conflicts (2 of 4 stars). 2 submissions from 2 submitters: Likely benign (2). Last evaluated 2025-08-13.

Conditions:
Familial focal epilepsy with variable foci (FPEVF). Identifiers: Orphanet 98820, MedGen C1858477, MONDO:0020310.

Allele frequency attached by ClinVar (database versions not stated): gnomAD exomes below 0.00001 and 0.00001; ExAC 0.00001.
gnomAD v4.1: 7 of 1,607,664 alleles (0.00044%); highest among the groups gnomAD compares: East Asian, 0.0022%; no homozygotes.

Submissions (2):

Labcorp Genetics (formerly Invitae), Labcorp
Classification: Likely benign for Familial focal epilepsy with variable foci. Last evaluated: 2025-08-13. Review status: criteria provided, single submitter. Criteria: Invitae Variant Classification Sherloc (09022015). Collection method: clinical testing. Allele origin: germline.

CeGaT Center for Human Genetics Tuebingen
Classification: Likely benign. Last evaluated: 2023-10-01. Review status: criteria provided, single submitter. Criteria: CeGaT Center For Human Genetics Tuebingen Variant Classification Criteria Version 2. Collection method: clinical testing. Allele origin: germline. Affected: yes. Observed: 1 variant allele.
Comment: DEPDC5: BP4